The following is an entry in ClinVar:

ClinVar aggregate classification (germline): Likely pathogenic. Review status: criteria provided, multiple submitters, no conflicts (2 of 4 stars). 4 submissions from 3 submitters: Likely pathogenic (4). Last evaluated 2024-11-22.

Conditions:
Retinitis pigmentosa (RP). Identifiers: Orphanet 791, MedGen C0035334, MeSH D012174, MONDO:0019200, OMIM 268000. Inheritance: Autosomal dominant, autosomal recessive and X linked inheritance.
Retinitis pigmentosa 59 (RP59). Identifiers: Orphanet 791, MedGen C3151227, MONDO:0013468, OMIM 613861.

gnomAD v4.1: 1 of 1,613,980 alleles (0.000062%); no homozygotes.

Submissions (4):

Natera, Inc.
Classification: Likely pathogenic for Retinitis pigmentosa type 59. Last evaluated: 2024-11-22. Review status: criteria provided, single submitter. Criteria: Natera Variant Classification Schema (03/2026). Collection method: clinical testing. Allele origin: germline.
Comment: The c.616A>G variant in DHDDS is a missense variant predicted to cause substitution of threonine to alanine at amino acid 206. This variant is rare in the general population with a frequency below the threshold expected for the associated phenotype(s). This variant has been observed in one or more individuals affected with the associated recessive disease, as either homozygous or compound heterozygous with a second variant (PMID: 28130426, 29276052, 24078709). Functional studies show that this variant may disrupt protein function (PMID: 24078709). Computational prediction algorithms indicate this variant is likely to affect gene or protein function. Given the available evidence, this variant is classified as Likely Pathogenic.

Baylor Genetics
Classification: Likely pathogenic for Retinitis pigmentosa 59. Last evaluated: 2024-03-07. Review status: criteria provided, single submitter. Criteria: ACMG Guidelines, 2015. Collection method: clinical testing. Allele origin: unknown.

Broad Center for Mendelian Genomics, Broad Institute of MIT and Harvard
Classification: Likely pathogenic for Retinitis pigmentosa 59. Last evaluated: 2022-05-04. Review status: criteria provided, single submitter. Criteria: ACMG Guidelines, 2015. Collection method: curation. Allele origin: germline. Inheritance: Autosomal recessive inheritance.
Comment: The variant has been reported in 3 Ashkenazi Jewish individuals with retinitis pigmentosa (PMID: 28130426, 28005406, 24078709), but was absent from large population studies. Computational prediction tools and conservation analyses suggest that this variant may impact the protein, though this information is not predictive enough to determine pathogenicity. The presence of this variant in combination with a reported pathogenic variant and in 3 individuals with retinitis pigmentosa increases the likelihood that the variant is pathogenic (Variation ID: 30709; PMID: 28130426, 28005406, 24078709). In summary, although additional studies are required to fully establish its clinical significance, this variant is likely pathogenic. ACMG/AMP Criteria applied: PM2, PP3, PM3_strong (Richards 2015).

Broad Center for Mendelian Genomics, Broad Institute of MIT and Harvard
Classification: Likely pathogenic for Retinitis pigmentosa. Last evaluated: 2021-04-01. Review status: criteria provided, single submitter. Criteria: ACMG Guidelines, 2015. Collection method: curation. Allele origin: germline. Inheritance: Autosomal recessive inheritance. Affected: yes.
Comment: Based on this evidence we have classified this variant as Likely Pathogenic. If you have any questions about the classification please reach out to the Pierce Lab.

Literature cited by the submitters: PubMed 28130426 (cited by Natera, Inc.); PubMed 29276052 (cited by Natera, Inc.); PubMed 24078709 (cited by Natera, Inc.); PubMed 34906470 (cited by Broad Center for Mendelian Genomics, Broad Institute of MIT and Harvard).

NM_205861.3(DHDDS):c.616A>G (p.Thr206Ala)

Gene: DHDDS (dehydrodolichyl diphosphate synthase subunit; plus strand). Cytogenetic location: 1p36.11.
Variant type: single nucleotide variant.
Coding change: c.616A>G on transcript NM_205861.3 (MANE Select); coding-DNA position 616, A replaced by G.
Protein change: p.Thr206Ala; replaces threonine 206 with alanine.
Molecular consequence: missense variant.
Genome position (GRCh38, 1-based): chr1:26,457,864, A>G. VCF-style: chr1-26457864-A-G. GRCh37 (hg19) VCF-style: chr1-26784355-A-G.
Other names: NM_205861.3:c.616A>G; c.514A>G, p.Thr172Ala (NM_001243564.2); c.499A>G, p.Thr167Ala (NM_001243565.2); c.337A>G, p.Thr113Ala (NM_001319959.2); c.616A>G, p.Thr206Ala (NM_024887.4); short protein forms T113A, T167A, T172A, T206A.
Identifiers: ClinVar variation 1297155 (VCV001297155.6), dbSNP rs2124489724, ClinGen allele CA339144762.